The following is an entry in ClinVar:

NM_000059.4(BRCA2):c.8487+82G>A

Gene: BRCA2 (BRCA2 DNA repair associated; plus strand). Cytogenetic location: 13q13.1.
Variant type: single nucleotide variant.
Coding change: c.8487+82G>A on transcript NM_000059.4 (MANE Select); 82 bases into the intron after coding-DNA position 8487, G replaced by A.
Molecular consequence: intron variant.
Genome position (GRCh38, 1-based): chr13:32,370,639, G>A. VCF-style: chr13-32370639-G-A. GRCh37 (hg19) VCF-style: chr13-32944776-G-A.
Identifiers: ClinVar variation 264944 (VCV000264944.2), dbSNP rs142947698, ClinGen allele CA10588143.

ClinVar aggregate classification (germline): Benign. Review status: reviewed by expert panel (3 of 4 stars). 2 submissions from 2 submitters: Benign (1). 1 of the submissions does not count toward it. Last evaluated 2016-09-28.

Conditions:
Breast-ovarian cancer, familial, susceptibility to, 2 (BROVCA2). Also called: BRCA2 Hereditary Breast and Ovarian Cancer. Identifiers: Orphanet 145, MedGen C2675520, MONDO:0012933, OMIM 612555. Disease mechanism: loss of function.

Allele frequency attached by ClinVar (database versions not stated): gnomAD 0.00223 and 0.00286; TOPMed 0.00231; gnomAD exomes 0.00391; 1000 Genomes Project 0.00499; 1000 Genomes Project 30x 0.00515.
gnomAD v4.1: 5,581 of 1,464,174 alleles (0.38%); highest among the groups gnomAD compares: South Asian, 2.5%; 58 homozygotes.

Submissions (2):

Evidence-based Network for the Interpretation of Germline Mutant Alleles (ENIGMA)
Classification: Benign for Breast-ovarian cancer, familial, susceptibility to, 2. Last evaluated: 2016-09-28. Review status: reviewed by expert panel. Criteria: ENIGMA BRCA1/2 Classification Criteria (2015). Collection method: curation. Allele origin: germline.
Comment: Class 1 not pathogenic based on frequency >1% in an outbred sampleset. Frequency 0.0174 (South Asian), derived from 1000 genomes (2013-05-02).

Breakthrough Genomics
Classification: Benign. Review status: criteria provided, single submitter. Criteria: ACMG Guidelines, 2015. Collection method: not provided. Allele origin: germline. Inheritance: Autosomal recessive inheritance. Affected: yes. Not counted in ClinVar's aggregate classification.